The following is an entry in ClinVar:

NM_000045.4(ARG1):c.577_578del (p.Leu193fs)

Genes: MED23 (mediator complex subunit 23; minus strand), ARG1 (arginase 1; plus strand). Cytogenetic location: 6q23.2.
Variant type: Microsatellite.
Coding change: c.577_578del on transcript NM_000045.4 (MANE Select); coding-DNA positions 577 to 578, 2 bases deleted (CT; older notation c.577_578delCT).
Protein change: p.Leu193fs; shifts the reading frame from leucine 193.
Molecular consequence: frameshift variant. On other transcripts: non-coding transcript variant (1), intron variant (2).
Genome position (GRCh38, 1-based): chr6:131,583,076-131,583,077, CT deleted; deleting any 2 consecutive bases within chr6:131,583,074-131,583,077 gives the same sequence; the c. name uses the placement nearest the transcript's 3' end. VCF-style (leftmost placement, unchanged base first): chr6-131583073-ACT-A. GRCh37 (hg19) VCF-style: chr6-131904213-ACT-A.
Other names: c.601_602del, p.Leu201fs (NM_001244438.2); c.322_323del, p.Leu108fs (NM_001369020.1); c.4077+4634_4077+4635del (NM_001270521.2); c.4095+4634_4095+4635del (NM_015979.4); short protein forms L108fs, L193fs, L201fs.
Identifiers: ClinVar variation 1451696 (VCV001451696.7), dbSNP rs766868484, ClinGen allele CA2580615773.

ClinVar aggregate classification (germline): Pathogenic (1 of 4 stars; one submission).

Conditions:
Arginase deficiency. Also called: ARGININEMIA; ARG1 DEFICIENCY; Arginase 1 Deficiency. Identifiers: Orphanet 90, MedGen C0268548, MONDO:0008814, OMIM 207800.

Submission:

Labcorp Genetics (formerly Invitae), Labcorp
Classification: Pathogenic for Arginase deficiency. Last evaluated: 2021-03-01. Review status: criteria provided, single submitter. Criteria: Invitae Variant Classification Sherloc (09022015). Collection method: clinical testing. Allele origin: germline.
Comment: This sequence change creates a premature translational stop signal (p.Leu193Argfs*3) in the ARG1 gene. It is expected to result in an absent or disrupted protein product. Loss-of-function variants in ARG1 are known to be pathogenic (PMID: 7649538, 12052859). This variant is not present in population databases (ExAC no frequency). This variant has not been reported in the literature in individuals with ARG1-related conditions. For these reasons, this variant has been classified as Pathogenic.

Literature cited by the submitters: PubMed 7649538; PubMed 12052859.